The following is an entry in ClinVar:

NM_006265.3(RAD21):c.1296GCA[1] (p.Gln433del)

Gene: RAD21 (RAD21 cohesin complex component; minus strand). Cytogenetic location: 8q24.11.
Variant type: Microsatellite.
Coding change: c.1296GCA[1] on transcript NM_006265.3 (MANE Select); one copy of the 3-base unit GCA starting at c.1296; the reference has two copies in a row; one copy, 3 bases deleted.
Protein change: p.Gln433del; deletes glutamine 433.
Molecular consequence: inframe deletion.
Genome position (GRCh38, 1-based): chr8:116,852,569-116,852,571, TGC deleted on the plus strand (GCA on the coding strand, the reverse complement: RAD21 is on the minus strand); deleting any 3 consecutive bases within chr8:116,852,569-116,852,576 gives the same sequence; the position shown is the placement nearest the transcript's 3' end. VCF-style (leftmost placement, unchanged base first): chr8-116852568-ATGC-A. GRCh37 (hg19) VCF-style: chr8-117864807-ATGC-A.
Other names: short protein forms Q433del.
Identifiers: ClinVar variation 1388952 (VCV001388952.6), dbSNP rs2130459649, ClinGen allele CA2580617222.
Genomic context (GRCh38, chr8:116,852,568, plus strand): 5'-TCATGTGAACTTCATCAAGGAACTATTCCAACAGAACAAACCGATAACATCACGCTGCTG[ATGC>A]TGCTGTTGCTGGTCCTCTCTAGGAACCTCTGGATTTTCAAATTCTTTGAGGAATTCATCC-3'

ClinVar aggregate classification (germline): Uncertain significance (1 of 4 stars; one submission).

Conditions:
Cornelia de Lange syndrome 4 (CDLS4). Also called: RAD21-Related Cornelia de Lange Syndrome; CORNELIA DE LANGE SYNDROME 4 WITH OR WITHOUT MIDLINE BRAIN DEFECTS. Identifiers: Orphanet 199, MedGen C3553517, MONDO:0013864, OMIM 614701.

Submission:

Labcorp Genetics (formerly Invitae), Labcorp
Classification: Uncertain significance for Cornelia de Lange syndrome 4. Last evaluated: 2021-11-11. Review status: criteria provided, single submitter. Criteria: Invitae Variant Classification Sherloc (09022015). Collection method: clinical testing. Allele origin: germline.
Comment: In summary, the available evidence is currently insufficient to determine the role of this variant in disease. Therefore, it has been classified as a Variant of Uncertain Significance. Experimental studies and prediction algorithms are not available or were not evaluated, and the functional significance of this variant is currently unknown. This variant has not been reported in the literature in individuals affected with RAD21-related conditions. This variant is not present in population databases (gnomAD no frequency). This variant, c.1299_1301del, results in the deletion of 1 amino acid(s) of the RAD21 protein (p.Gln433del), but otherwise preserves the integrity of the reading frame.